The following is an entry in ClinVar:

ClinVar aggregate classification (germline): Uncertain significance. Review status: criteria provided, multiple submitters, no conflicts (2 of 4 stars). 2 submissions from 2 submitters: Uncertain significance (2). Last evaluated 2025-08-25.

Conditions:
Epidermodysplasia verruciformis. Identifiers: Orphanet 302, MedGen C0014522, MONDO:0009176.
Inborn genetic diseases. Identifiers: MedGen C0950123, MeSH D030342.

Allele frequency attached by ClinVar (database versions not stated): gnomAD exomes below 0.00001 and 0.00001; TOPMed 0.00005; gnomAD 0.00007.
gnomAD v4.1: 12 of 1,605,576 alleles (0.00075%); highest among the groups gnomAD compares: Admixed American, 0.019%; no homozygotes.

Submissions (2):

Ambry Genetics
Classification: Uncertain significance for Inborn genetic diseases. Last evaluated: 2025-08-25. Review status: criteria provided, single submitter. Criteria: Ambry Variant Classification Scheme 2023. Collection method: clinical testing. Allele origin: germline.

Labcorp Genetics (formerly Invitae), Labcorp
Classification: Uncertain significance for Epidermodysplasia verruciformis. Last evaluated: 2022-05-30. Review status: criteria provided, single submitter. Criteria: Invitae Variant Classification Sherloc (09022015). Collection method: clinical testing. Allele origin: germline.
Comment: In summary, the available evidence is currently insufficient to determine the role of this variant in disease. Therefore, it has been classified as a Variant of Uncertain Significance. Algorithms developed to predict the effect of missense changes on protein structure and function are either unavailable or do not agree on the potential impact of this missense change (SIFT: "Not Available"; PolyPhen-2: "Possibly Damaging"; Align-GVGD: "Not Available"). ClinVar contains an entry for this variant (Variation ID: 945928). This variant has not been reported in the literature in individuals affected with TMC6-related conditions. This variant is present in population databases (no rsID available, gnomAD 0.006%). This sequence change replaces isoleucine, which is neutral and non-polar, with asparagine, which is neutral and polar, at codon 619 of the TMC6 protein (p.Ile619Asn).

NM_001127198.5(TMC6):c.1856T>A (p.Ile619Asn)

Gene: TMC6 (transmembrane channel like 6; minus strand). Cytogenetic location: 17q25.3.
Variant type: single nucleotide variant.
Coding change: c.1856T>A on transcript NM_001127198.5 (MANE Select); coding-DNA position 1856, T replaced by A.
Protein change: p.Ile619Asn; replaces isoleucine 619 with asparagine.
Molecular consequence: missense variant.
Genome position (GRCh38, 1-based): chr17:78,119,002, A>T on the plus strand (T>A on the coding strand, the complement: TMC6 is on the minus strand). VCF-style: chr17-78119002-A-T. GRCh37 (hg19) VCF-style: chr17-76115083-A-T.
Other names: c.1856T>A (NM_007267.6); c.1856T>A, p.Ile619Asn (NM_001321185.1, NM_001374596.1, NM_001375353.1 and 2 more transcripts); c.1676T>A, p.Ile559Asn (NM_001374593.1, NM_001374594.1); short protein forms I619N, I559N.
Identifiers: ClinVar variation 945928 (VCV000945928.9), dbSNP rs1338150971, ClinGen allele CA401226299.